The following is an entry in ClinVar:

NC_000016.9:g.(?_89811347)_(89862446_?)del

Gene: FANCA (FA complementation group A; minus strand). Cytogenetic location: 16q24.3.
Variant type: Deletion.
Identifiers: ClinVar variation 3243244 (VCV003243244.1).

ClinVar aggregate classification (germline): Pathogenic (1 of 4 stars; one submission).

Conditions:
Fanconi anemia (FA). Also called: Fanconi's anemia. Identifiers: Orphanet 84, MedGen C0015625, MeSH D005199, MONDO:0019391.

Submission:

Labcorp Genetics (formerly Invitae), Labcorp
Classification: Pathogenic for Fanconi anemia. Last evaluated: 2023-07-16. Review status: criteria provided, single submitter. Criteria: Invitae Variant Classification Sherloc (09022015). Collection method: clinical testing. Allele origin: unknown.
Comment: This variant is a gross deletion of the genomic region encompassing exon(s) 11-36 of the FANCA gene. This variant would be expected to be in-frame, preserving the integrity of the reading frame. This variant has not been reported in the literature in individuals affected with FANCA-related conditions. This variant disrupts a region of the FANCA protein in which other variant(s) (p.Thr1131Ala) have been determined to be pathogenic (PMID: 1792455, 1927896, 9371798, 12444097, 15643609, 19367192, 22778927). This suggests that this is a clinically significant region of the protein, and that variants that disrupt it are likely to be disease-causing. For these reasons, this variant has been classified as Pathogenic.

Literature cited by the submitters: PubMed 1792455; PubMed 1927896; PubMed 9371798; PubMed 12444097; PubMed 15643609; PubMed 19367192; PubMed 22778927.